The following continues an entry in ClinVar:

NM_000053.4(ATP7B):c.3859G>A (p.Gly1287Ser)

Gene: ATP7B. ClinVar aggregate classification (germline): Conflicting classifications of pathogenicity. Pathogenic (4); Likely pathogenic (9); Uncertain significance (1).

Submissions 7 to 15 of 15:

PreventionGenetics, part of Exact Sciences
Classification: Likely pathogenic for ATP7B-related condition. Last evaluated: 2025-05-21. Review status: criteria provided, single submitter. Criteria: ACMG Guidelines, 2015. Collection method: clinical testing. Allele origin: germline.
Comment: The ATP7B c.3859G>A variant is predicted to result in the amino acid substitution p.Gly1287Ser. This variant has been reported in individuals with Wilson disease (Cox et al. 2005. PubMed ID: 16088907; Table S3, Collins et al. 2021. PubMed ID: 33640437; Wang et al. 2023. PubMed ID: 37020998). Of those, at least two patients were described as being in the compound heterozygous state with a known pathogenic ATP7B variant (Table S3, Collins et al. 2021. PubMed ID: 33640437; Wang et al. 2023. PubMed ID: 37020998). In addition, this variant has been reported in the heterozygous state in individuals with Wilson disease or reported without a second ATP7B variant reported (Dong et al. 2016. PubMed ID: 27022412; Table S4, Zhang et al. 2022. PubMed ID: 35220961). A functional study suggested that this variant might impact protein function (Luoma et al. 2010. PubMed ID: 20333758). This variant is reported in 0.021% of alleles in individuals of African descent in gnomAD and is reported as pathogenic/likely pathogenic in ClinVar. Different missense changes impacting the same amino acid (p.Gly1287Arg, p.Gly1287Asp) have also been reported as individuals with Wilson disease; suggesting that the p.Gly1287 residue is important for ATP7B function (Bost et al. 2012. PubMed ID: 22677543; Zhang et al. 2022. PubMed ID: 35220961). The ATP7B c.3859G>A (p.Gly1287Ser) variant is interpreted as likely pathogenic.

Women's Health and Genetics/Laboratory Corporation of America, LabCorp
Classification: Pathogenic for Wilson disease. Last evaluated: 2025-03-14. Review status: criteria provided, single submitter. Criteria: LabCorp Variant Classification Summary - May 2015. Collection method: clinical testing. Allele origin: germline.
Comment: Variant summary: ATP7B c.3859G>A (p.Gly1287Ser) results in a non-conservative amino acid change located in the P-type ATPase, haloacid dehalogenase domain (IPR044492) of the encoded protein sequence. Five of five in-silico tools predict a damaging effect of the variant on protein function. The variant allele was found at a frequency of 3.6e-05 in 249536 control chromosomes (gnomAD). c.3859G>A has been reported in the literature in multiple individuals affected with Wilson Disease (e.g. Li_2019, Chen_2019, Zhang_2016, Collins_2021, Cox_2005, Huang_2022, Dong_2016, Zhang_2022). These data indicate that the variant is very likely to be associated with disease. At least one publication reports experimental evidence evaluating an impact on protein function. The most pronounced variant effect results in its characterization as "intermediate" based on its ability to complement ccc2 function under low iron conditions at 30 and 37 degree centigrade (Luomo_2010). The following publications have been ascertained in the context of this evaluation (PMID: 16088907, 20333758, 22692182, 27022412, 31172689, 27706781, 33640437, 30655162, 35193651, 35220961). ClinVar contains an entry for this variant (Variation ID: 881762). Based on the evidence outlined above, the variant was classified as pathogenic.

Fulgent Genetics
Classification: Likely pathogenic for Wilson disease. Last evaluated: 2024-04-22. Review status: criteria provided, single submitter. Criteria: ACMG Guidelines, 2015. Collection method: clinical testing. Allele origin: germline.

Genomic Medicine Center of Excellence, King Faisal Specialist Hospital and Research Centre
Classification: Likely pathogenic for Wilson disease. Last evaluated: 2024-03-29. Review status: criteria provided, single submitter. Criteria: ACMG Guidelines, 2015. Collection method: clinical testing. Allele origin: germline.

Baylor Genetics
Classification: Likely pathogenic for Wilson disease. Last evaluated: 2024-03-24. Review status: criteria provided, single submitter. Criteria: ACMG Guidelines, 2015. Collection method: clinical testing. Allele origin: unknown.

Chongqing Key Laboratory of Child Rare Diseases in Infection and Immunity, Children’s Hospital of Chongqing Medical University
Classification: Uncertain significance for Wilson disease. Last evaluated: 2024-01-01. Review status: criteria provided, single submitter. Criteria: ACMG Guidelines, 2015. Collection method: clinical testing. Allele origin: germline. Inheritance: Autosomal recessive inheritance. Affected: yes.
Comment: Classified as Uncertain significance according to the ACMG/AMP 2015 guidelines (PMID:25741868). The classification was based on the available submitted evidence for Wilson disease (OMIM:277900), including clinical-testing observations, variant consequence/protein annotation, and published or ClinVar evidence where available. Supporting information considered: variant annotation: p.Gly1287Ser; Missense; Protein domain: Core (post-N); submitted notation: NM_000053.4:c.3859G>A (p.Gly1287Ser); source variant type: Missense; source domain: Core (post-N); allele count n=230: 1.

Mayo Clinic Laboratories, Mayo Clinic
Classification: Pathogenic. Last evaluated: 2023-05-18. Review status: criteria provided, single submitter. Criteria: ACMG Guidelines, 2015. Collection method: clinical testing. Allele origin: germline. Observed: 1 variant allele.
Comment: PP3, PM2, PM3, PS3

Juno Genomics, Hangzhou Juno Genomics, Inc
Classification: Pathogenic for Wilson disease. Review status: criteria provided, single submitter. Criteria: ACMG Guidelines, 2015. Collection method: clinical testing. Allele origin: germline.
Comment: Absent from controls (or at extremely low frequency if recessive) in Genome Aggregation Database.;Well-established in vitro or in vivo functional studies supportive of a damaging effect on the gene or gene product.;For recessive disorders, detected in trans with a pathogenic variant.;Patient's phenotype or family history is highly specific for a disease with a single genetic etiology.

Genome-Nilou Lab
Classification: Uncertain significance for Wilson disease. Last evaluated: 2021-08-10. Review status: flagged submission. Criteria: ACMG Guidelines, 2015. Collection method: clinical testing. Allele origin: germline. Affected: no. Not counted in ClinVar's aggregate classification.
ClinVar note: Reason: Claim with insufficient supporting evidence

Literature cited by the submitters: PubMed 16088907 (cited by 4 submitters); PubMed 27022412 (cited by 4 submitters); PubMed 27706781 (cited by 4 submitters); PubMed 33640437 (cited by 4 submitters); PubMed 34470610 (cited by Labcorp Genetics (formerly Invitae), Labcorp and Color Diagnostics, LLC DBA Color Health); PubMed 35193651 (cited by 5 submitters); PubMed 37020998 (cited by 3 submitters); PubMed 20333758 (cited by 5 submitters); PubMed 35220961 (cited by Natera, Inc. and Women's Health and Genetics/Laboratory Corporation of America, LabCorp); PubMed 39719440 (cited by Natera, Inc.); PubMed 38847512 (cited by Natera, Inc.); PubMed 31172689 (cited by Color Diagnostics, LLC DBA Color Health and Women's Health and Genetics/Laboratory Corporation of America, LabCorp); PubMed 35245129 (cited by Color Diagnostics, LLC DBA Color Health); PubMed 22692182 (cited by Women's Health and Genetics/Laboratory Corporation of America, LabCorp); PubMed 30655162 (cited by Women's Health and Genetics/Laboratory Corporation of America, LabCorp).